The following is an entry in ClinVar:

ClinVar aggregate classification (germline): Pathogenic (1 of 4 stars; one submission).

Conditions:
Familial cancer of breast. Also called: Hereditary breast cancer; hereditary breast carcinoma; BREAST CANCER, FAMILIAL. Identifiers: Orphanet 227535, MedGen C0346153, MONDO:0016419, OMIM 114480. Disease mechanism: loss of function.

Submission:

Labcorp Genetics (formerly Invitae), Labcorp
Classification: Pathogenic for Familial cancer of breast. Last evaluated: 2024-05-21. Review status: criteria provided, single submitter. Criteria: Invitae Variant Classification Sherloc (09022015). Collection method: clinical testing. Allele origin: germline.
Comment: This sequence change creates a premature translational stop signal (p.Ile250Aspfs*22) in the CHEK2 gene. It is expected to result in an absent or disrupted protein product. Loss-of-function variants in CHEK2 are known to be pathogenic (PMID: 21876083, 24713400). This variant is not present in population databases (gnomAD no frequency). This variant has not been reported in the literature in individuals affected with CHEK2-related conditions. ClinVar contains an entry for this variant (Variation ID: 1453025). For these reasons, this variant has been classified as Pathogenic.

Literature cited by the submitters: PubMed 21876083; PubMed 24713400.

NM_007194.4(CHEK2):c.743dup (p.Ile250fs)

Gene: CHEK2 (checkpoint kinase 2; minus strand). Cytogenetic location: 22q12.1.
Variant type: Duplication.
Coding change: c.743dup on transcript NM_007194.4 (MANE Select); coding-DNA position 743, one base duplicated (T; older notation c.743dupT).
Protein change: p.Ile250fs; shifts the reading frame from isoleucine 250.
Molecular consequence: frameshift variant.
Genome position (GRCh38, 1-based): chr22:28,711,958, A duplicated on the plus strand (T on the coding strand, the reverse complement: CHEK2 is on the minus strand). VCF-style (leftmost placement, unchanged base first): chr22-28711957-T-TA. GRCh37 (hg19) VCF-style: chr22-29107945-T-TA.
Other names: c.872dup, p.Ile293Aspfs (NM_001005735.3); c.80dup, p.Ile29Aspfs (NM_001257387.3); c.542dup, p.Ile183Aspfs (NM_001349956.3); c.743dup, p.Ile250Aspfs (NM_145862.3); short protein forms I29fs, I250fs, I293fs, I183fs.
Identifiers: ClinVar variation 1453025 (VCV001453025.7), dbSNP rs2145950548, ClinGen allele CA2573157990.